The following is an entry in ClinVar:

ClinVar aggregate classification (germline): Uncertain significance (1 of 4 stars; one submission).

Conditions:
FAT1-related disorder. Also called: FAT1-related condition.

gnomAD v4.1: 1 of 1,612,892 alleles (0.000062%); highest among the groups gnomAD compares: African/African-American, 0.0013%; no homozygotes.

Submission:

PreventionGenetics, part of Exact Sciences
Classification: Uncertain significance for FAT1-related condition. Last evaluated: 2023-07-05. Review status: criteria provided, single submitter. Criteria: ACMG Guidelines, 2015. Collection method: clinical testing. Allele origin: germline.
Comment: The FAT1 c.10255C>G variant is predicted to result in the amino acid substitution p.Pro3419Ala. To our knowledge, this variant has not been reported in the literature or in a large population database, indicating this variant is rare. At this time, the clinical significance of this variant is uncertain due to the absence of conclusive functional and genetic evidence.

NM_005245.4(FAT1):c.10255C>G (p.Pro3419Ala)

Gene: FAT1 (FAT atypical cadherin 1; minus strand). Cytogenetic location: 4q35.2.
Variant type: single nucleotide variant.
Coding change: c.10255C>G on transcript NM_005245.4 (MANE Select); coding-DNA position 10255, C replaced by G.
Protein change: p.Pro3419Ala; replaces proline 3419 with alanine.
Molecular consequence: missense variant.
Genome position (GRCh38, 1-based): chr4:186,606,165, G>C on the plus strand (C>G on the coding strand, the complement: FAT1 is on the minus strand). VCF-style: chr4-186606165-G-C. GRCh37 (hg19) VCF-style: chr4-187527319-G-C.
Other names: short protein forms P3419A.
Identifiers: ClinVar variation 2632278 (VCV002632278.1), dbSNP rs201854983, ClinGen allele CA358978935.
Genomic context (GRCh38, chr4:186,606,165, plus strand): 5'-CGGGCGCGTTGTCATTGACATCGGACACATCGATGTTCACGGTCGTCGTGTTGACTCTGG[G>C]TGGACTGCCATTATCAGAAGCTTGAACCGTGAGCGTGTAACCTGAAATCTTTTCAGGCAA-3'
Protein context (NP_005236.2, residues 3409-3429): TVQASDNGSP[Pro3419Ala]RVNTTTVNID